The following is an entry in ClinVar:

ClinVar aggregate classification (germline): Uncertain significance (1 of 4 stars; one submission).

gnomAD v4.1: 19 of 1,612,260 alleles (0.0012%); highest among the groups gnomAD compares: Non-Finnish European, 0.0014%; no homozygotes.

Submission:

Women's Health and Genetics/Laboratory Corporation of America, LabCorp
Classification: Uncertain significance. Last evaluated: 2026-03-06. Review status: criteria provided, single submitter. Criteria: LabCorp Variant Classification Summary - May 2015. Collection method: clinical testing. Allele origin: germline.
Comment: Variant summary: MAPK8IP3 c.3526G>A (p.Val1176Ile) results in a conservative amino acid change in the encoded protein sequence. Algorithms developed to predict the effect of missense changes on protein structure and function are either unavailable or do not agree on the potential impact of this missense change. The variant allele was found at a frequency of 1.2e-05 in 248036 control chromosomes (gnomAD). The available data on variant occurrences in the general population are insufficient to allow any conclusion about variant significance. To our knowledge, no occurrence of c.3526G>A in individuals affected with MAPK8IP3-related conditions and no experimental evidence demonstrating its impact on protein function have been reported. No submitters have cited clinical-significance assessments for this variant to ClinVar. Based on the evidence outlined above, the variant was classified as uncertain significance.

NM_001318852.2(MAPK8IP3):c.3529G>A (p.Val1177Ile)

Gene: MAPK8IP3 (mitogen-activated protein kinase 8 interacting protein 3; plus strand). Cytogenetic location: 16p13.3.
Variant type: single nucleotide variant.
Coding change: c.3529G>A on transcript NM_001318852.2 (MANE Select); coding-DNA position 3529, G replaced by A.
Protein change: p.Val1177Ile; replaces valine 1177 with isoleucine.
Molecular consequence: missense variant.
Genome position (GRCh38, 1-based): chr16:1,768,074, G>A. VCF-style: chr16-1768074-G-A. GRCh37 (hg19) VCF-style: chr16-1818075-G-A.
Other names: c.3508G>A, p.Val1170Ile (NM_001040439.2); c.3526G>A, p.Val1176Ile (NM_015133.5); short protein forms V1170I, V1176I, V1177I.
Identifiers: ClinVar variation 4847412 (VCV004847412.1).